The following is an entry in ClinVar:

ClinVar aggregate classification (germline): Uncertain significance. Review status: criteria provided, multiple submitters, no conflicts (2 of 4 stars). 2 submissions from 2 submitters: Uncertain significance (2). Last evaluated 2025-07-15.

Conditions:
Developmental and epileptic encephalopathy, 12 (DEE12). Identifiers: MedGen C3150988, MONDO:0013389, OMIM 613722.

Allele frequency attached by ClinVar (database versions not stated): gnomAD 0.00001; TOPMed 0.00001; gnomAD exomes 0.00004 and 0.00007; ExAC 0.00007.
gnomAD v4.1: 57 of 1,613,706 alleles (0.0035%); highest among the groups gnomAD compares: South Asian, 0.047%; 2 homozygotes.

Submissions (2):

GeneDx
Classification: Uncertain significance. Last evaluated: 2025-07-15. Review status: criteria provided, single submitter. Criteria: GeneDx Variant Classification Process June 2021. Collection method: clinical testing. Allele origin: germline. Affected: yes.
Comment: In silico analysis supports that this missense variant has a deleterious effect on protein structure/function; Has not been previously published as pathogenic or benign to our knowledge

Labcorp Genetics (formerly Invitae), Labcorp
Classification: Uncertain significance for Developmental and epileptic encephalopathy, 12. Last evaluated: 2022-07-12. Review status: criteria provided, single submitter. Criteria: Invitae Variant Classification Sherloc (09022015). Collection method: clinical testing. Allele origin: germline.
Comment: This sequence change replaces arginine, which is basic and polar, with cysteine, which is neutral and slightly polar, at codon 97 of the PLCB1 protein (p.Arg97Cys). The frequency data for this variant in the population databases is considered unreliable, as metrics indicate poor data quality at this position in the gnomAD database. This variant has not been reported in the literature in individuals affected with PLCB1-related conditions. ClinVar contains an entry for this variant (Variation ID: 1043661). Algorithms developed to predict the effect of missense changes on protein structure and function are either unavailable or do not agree on the potential impact of this missense change (SIFT: "Deleterious"; PolyPhen-2: "Benign"; Align-GVGD: "Class C25"). Algorithms developed to predict the effect of sequence changes on RNA splicing suggest that this variant may create or strengthen a splice site. In summary, the available evidence is currently insufficient to determine the role of this variant in disease. Therefore, it has been classified as a Variant of Uncertain Significance.

NM_015192.4(PLCB1):c.289C>T (p.Arg97Cys)

Gene: PLCB1 (phospholipase C beta 1; plus strand). Cytogenetic location: 20p12.3.
Variant type: single nucleotide variant.
Coding change: c.289C>T on transcript NM_015192.4 (MANE Select); coding-DNA position 289, C replaced by T.
Protein change: p.Arg97Cys; replaces arginine 97 with cysteine.
Molecular consequence: missense variant.
Genome position (GRCh38, 1-based): chr20:8,628,336, C>T. VCF-style: chr20-8628336-C-T. GRCh37 (hg19) VCF-style: chr20-8608983-C-T.
Other names: c.289C>T, p.Arg97Cys (NM_182734.3); c.289C>T (NM_015192.2); short protein forms R97C.
Identifiers: ClinVar variation 1043661 (VCV001043661.7), dbSNP rs778824465, ClinGen allele CA9759642.